The following is an entry in ClinVar:

ClinVar aggregate classification (germline): Uncertain significance (1 of 4 stars; one submission).

gnomAD v4.1: 1 of 1,497,846 alleles (0.000067%); highest among the groups gnomAD compares: Non-Finnish European, 0.000088%; no homozygotes.

Submission:

Labcorp Genetics (formerly Invitae), Labcorp
Classification: Uncertain significance. Last evaluated: 2023-01-17. Review status: criteria provided, single submitter. Criteria: Invitae Variant Classification Sherloc (09022015). Collection method: clinical testing. Allele origin: germline.
Comment: In summary, the available evidence is currently insufficient to determine the role of this variant in disease. Therefore, it has been classified as a Variant of Uncertain Significance. Algorithms developed to predict the effect of missense changes on protein structure and function output the following: SIFT: "Deleterious"; PolyPhen-2: "Benign"; Align-GVGD: "Class C25". The glutamine amino acid residue is found in multiple mammalian species, which suggests that this missense change does not adversely affect protein function. This variant has not been reported in the literature in individuals affected with CAMK2B-related conditions. This variant is present in population databases (rs35452727, gnomAD 0.001%). This sequence change replaces glutamic acid, which is acidic and polar, with glutamine, which is neutral and polar, at codon 510 of the CAMK2B protein (p.Glu510Gln).

NM_001220.5(CAMK2B):c.1528G>C (p.Glu510Gln)

Gene: CAMK2B (calcium/calmodulin dependent protein kinase II beta; minus strand). Cytogenetic location: 7p13.
Variant type: single nucleotide variant.
Coding change: c.1528G>C on transcript NM_001220.5 (MANE Select); coding-DNA position 1528, G replaced by C.
Protein change: p.Glu510Gln; replaces glutamic acid 510 with glutamine.
Molecular consequence: missense variant. On other transcripts: intron variant (8).
Genome position (GRCh38, 1-based): chr7:44,226,585, C>G on the plus strand (G>C on the coding strand, the complement: CAMK2B is on the minus strand). VCF-style: chr7-44226585-C-G. GRCh37 (hg19) VCF-style: chr7-44266184-C-G.
Other names: c.947-5684G>C (NM_172084.3); c.1150+4421G>C (NM_172080.3); c.1036+4421G>C (NM_172083.3); c.1108+4421G>C (NM_172081.3); c.1153+4421G>C (NM_172079.3, NM_172082.3); c.1225+4421G>C (NM_001293170.2, NM_172078.3); short protein forms E510Q.
Identifiers: ClinVar variation 2125573 (VCV002125573.4), dbSNP rs35452727, ClinGen allele CA4240256.